The following is an entry in ClinVar:

NM_001283009.2(RTEL1):c.2060C>T (p.Ala687Val)

Genes: RTEL1 (regulator of telomere elongation helicase 1; plus strand), RTEL1-TNFRSF6B (RTEL1-TNFRSF6B readthrough (NMD candidate); plus strand). Cytogenetic location: 20q13.33.
Variant type: single nucleotide variant.
Coding change: c.2060C>T on transcript NM_001283009.2 (MANE Select); coding-DNA position 2060, C replaced by T.
Protein change: p.Ala687Val; replaces alanine 687 with valine.
Molecular consequence: missense variant. On other transcripts: non-coding transcript variant (1).
Genome position (GRCh38, 1-based): chr20:63,689,784, C>T. VCF-style: chr20-63689784-C-T. GRCh37 (hg19) VCF-style: chr20-62321137-C-T.
Other names: c.1391C>T, p.Ala464Val (NM_001283010.1); c.2060C>T, p.Ala687Val (NM_016434.4); c.2132C>T, p.Ala711Val (NM_032957.5); c.2132C>T (NM_032957.4); short protein forms A687V, A464V, A711V.
Identifiers: ClinVar variation 2199413 (VCV002199413.3), dbSNP rs2517134860, ClinGen allele CA409679114.

ClinVar aggregate classification (germline): Uncertain significance. Review status: criteria provided, multiple submitters, no conflicts (2 of 4 stars). 3 submissions from 3 submitters: Uncertain significance (3). Last evaluated 2024-08-13.

Conditions:
Dyskeratosis congenita, autosomal recessive 5 (DKCB5). Identifiers: MedGen C3554656, MONDO:0014076, OMIM 615190.
Pulmonary fibrosis and/or bone marrow failure, Telomere-related, 3. Also called: PULMONARY FIBROSIS AND/OR BONE MARROW FAILURE SYNDROME, TELOMERE-RELATED, 3. Identifiers: Orphanet 2032, MedGen C4225346, MONDO:0014613, OMIM 616373.
Inborn genetic diseases. Identifiers: MedGen C0950123, MeSH D030342.

Allele frequency attached by ClinVar (database versions not stated): gnomAD exomes below 0.00001.
gnomAD v4.1: 1 of 1,612,190 alleles (0.000062%); highest among the groups gnomAD compares: Non-Finnish European, 0.000085%; no homozygotes.

Submissions (3):

GeneDx
Classification: Uncertain significance. Last evaluated: 2024-08-13. Review status: criteria provided, single submitter. Criteria: GeneDx Variant Classification Process June 2021. Collection method: clinical testing. Allele origin: germline. Affected: yes.
Comment: In silico analysis supports that this missense variant has a deleterious effect on protein structure/function; Not observed at significant frequency in large population cohorts (gnomAD); This variant is associated with the following publications: (PMID: 36937416)

Ambry Genetics
Classification: Uncertain significance for Inborn genetic diseases. Last evaluated: 2024-03-24. Review status: criteria provided, single submitter. Criteria: Ambry Variant Classification Scheme 2023. Collection method: clinical testing. Allele origin: germline.
Comment: The p.A711V variant (also known as c.2132C>T), located in coding exon 23 of the RTEL1 gene, results from a C to T substitution at nucleotide position 2132. The alanine at codon 711 is replaced by valine, an amino acid with similar properties. This amino acid position is conserved. In addition, this alteration is predicted to be deleterious by in silico analysis. Based on the available evidence, the clinical significance of this alteration remains unclear.

Labcorp Genetics (formerly Invitae), Labcorp
Classification: Uncertain significance for Dyskeratosis congenita, autosomal recessive 5; Pulmonary fibrosis and/or bone marrow failure, Telomere-related, 3. Last evaluated: 2022-02-24. Review status: criteria provided, single submitter. Criteria: Invitae Variant Classification Sherloc (09022015). Collection method: clinical testing. Allele origin: germline.
Comment: This sequence change replaces alanine, which is neutral and non-polar, with valine, which is neutral and non-polar, at codon 687 of the RTEL1 protein (p.Ala687Val). This variant is not present in population databases (gnomAD no frequency). This variant has not been reported in the literature in individuals affected with RTEL1-related conditions. Algorithms developed to predict the effect of missense changes on protein structure and function are either unavailable or do not agree on the potential impact of this missense change (SIFT: "Tolerated"; PolyPhen-2: "Probably Damaging"; Align-GVGD: "Class C0"). Algorithms developed to predict the effect of sequence changes on RNA splicing suggest that this variant may create or strengthen a splice site. In summary, the available evidence is currently insufficient to determine the role of this variant in disease. Therefore, it has been classified as a Variant of Uncertain Significance.